The following is an entry in ClinVar:

ClinVar aggregate classification (germline): Uncertain significance (1 of 4 stars; one submission).

Submission:

Dasa
Classification: Uncertain significance. Last evaluated: 2026-07-15. Review status: criteria provided, single submitter. Criteria: DASA Assertion Criteria. Collection method: clinical testing. Allele origin: germline.
Comment: NM_130847.3(AMOTL1):c.224A>T (p.His75Leu) is a missense variant that results in the substitution of histidine with leucine. This variant is rare in population databases. Computational prediction algorithms are consistent with a benign effect. The currently available literature and clinical evidence are not sufficient to establish a definitive association between this variant and the reported condition. Therefore, this variant is classified as a variant of uncertain significance.

NM_130847.3(AMOTL1):c.224A>T (p.His75Leu)

Gene: AMOTL1 (angiomotin like 1; plus strand). Cytogenetic location: 11q21.
Variant type: single nucleotide variant.
Coding change: c.224A>T on transcript NM_130847.3 (MANE Select); coding-DNA position 224, A replaced by T.
Protein change: p.His75Leu; replaces histidine 75 with leucine.
Molecular consequence: missense variant.
Genome position (GRCh38, 1-based): chr11:94,799,414, A>T. VCF-style: chr11-94799414-A-T. GRCh37 (hg19) VCF-style: chr11-94532580-A-T.
Other names: c.74A>T, p.His25Leu (NM_001301007.2); short protein forms H25L, H75L.
Identifiers: ClinVar variation 5020190 (VCV005020190.1).